The following is an entry in ClinVar:

NM_001378969.1(KCND3):c.1269+15C>A

Gene: KCND3 (potassium voltage-gated channel subfamily D member 3; minus strand). Cytogenetic location: 1p13.2.
Variant type: single nucleotide variant.
Coding change: c.1269+15C>A on transcript NM_001378969.1 (MANE Select); 15 bases into the intron after coding-DNA position 1269, C replaced by A.
Molecular consequence: intron variant.
Genome position (GRCh38, 1-based): chr1:111,786,929, G>T on the plus strand (C>A on the coding strand, the complement: KCND3 is on the minus strand). VCF-style: chr1-111786929-G-T. GRCh37 (hg19) VCF-style: chr1-112329551-G-T.
Other names: c.1269+15C>A (NM_001378970.1, NM_172198.3, NM_004980.5).
Identifiers: ClinVar variation 259600 (VCV000259600.15), dbSNP rs3738298, ClinGen allele CA1007494.

ClinVar aggregate classification (germline): Benign. Review status: criteria provided, multiple submitters, no conflicts (2 of 4 stars). 8 submissions from 8 submitters: Benign (6). 2 of the submissions do not count toward it. Last evaluated 2026-02-03.

Conditions:
Spinocerebellar ataxia type 19/22 (SCA19). Also called: SPINOCEREBELLAR ATAXIA 19; SPINOCEREBELLAR ATAXIA 22. Identifiers: Orphanet 98772, MedGen C1846367, MONDO:0011819, OMIM 607346.

Allele frequency attached by ClinVar (database versions not stated): gnomAD exomes 0.14974 and 0.16249; ESP Exome Variant Server 0.15231; TOPMed 0.15835; gnomAD 0.16477 and 0.16643; ExAC 0.16517; 1000 Genomes Project 30x 0.18723; 1000 Genomes Project 0.19269.
gnomAD v4.1: 244,472 of 1,613,558 alleles (15%); highest among the groups gnomAD compares: South Asian, 21%; 19,222 homozygotes.

Submissions (8):

Labcorp Genetics (formerly Invitae), Labcorp
Classification: Benign for Spinocerebellar ataxia type 19/22. Last evaluated: 2026-02-03. Review status: criteria provided, single submitter. Criteria: Invitae Variant Classification Sherloc (09022015). Collection method: clinical testing. Allele origin: germline.

Blueprint Genetics
Classification: Benign. Last evaluated: 2024-11-26. Review status: criteria provided, single submitter. Criteria: ACMG Guidelines, 2015. Collection method: clinical testing. Allele origin: germline.

Women's Health and Genetics/Laboratory Corporation of America, LabCorp
Classification: Benign. Last evaluated: 2023-04-04. Review status: criteria provided, single submitter. Criteria: LabCorp Variant Classification Summary - May 2015. Collection method: clinical testing. Allele origin: germline.

GeneDx
Classification: Benign. Last evaluated: 2016-09-26. Review status: criteria provided, single submitter. Criteria: GeneDx Variant Classification (06012015). Collection method: clinical testing. Allele origin: germline. Affected: yes.
Comment: This variant is considered likely benign or benign based on one or more of the following criteria: it is a conservative change, it occurs at a poorly conserved position in the protein, it is predicted to be benign by multiple in silico algorithms, and/or has population frequency not consistent with disease.

Breakthrough Genomics
Classification: Benign. Review status: criteria provided, single submitter. Criteria: ACMG Guidelines, 2015. Collection method: not provided. Allele origin: germline. Inheritance: Autosomal dominant inheritance. Affected: yes.

PreventionGenetics, part of Exact Sciences
Classification: Benign. Review status: criteria provided, single submitter. Criteria: ACMG Guidelines, 2015. Collection method: clinical testing. Allele origin: germline.

Clinical Genetics DNA and cytogenetics Diagnostics Lab, Erasmus MC, Erasmus Medical Center
Classification: Benign. Review status: no assertion criteria provided. Collection method: clinical testing. Allele origin: germline. Affected: yes. Study: VKGL Data-share Consensus. Not counted in ClinVar's aggregate classification.

Clinical Genetics, Academic Medical Center
Classification: Benign. Review status: no assertion criteria provided. Collection method: clinical testing. Allele origin: germline. Affected: yes. Study: VKGL Data-share Consensus. Not counted in ClinVar's aggregate classification.